The following is an entry in ClinVar:

ClinVar aggregate classification (germline): Conflicting classifications of pathogenicity. Review status: criteria provided, conflicting classifications (1 of 4 stars). 10 submissions from 10 submitters: Uncertain significance (5); Likely benign (2). 3 of the submissions do not count toward it. Last evaluated 2025-06-03.

Conditions:
Hereditary breast ovarian cancer syndrome. Also called: Hereditary breast and ovarian cancer syndrome; Hereditary breast and ovarian cancer; Hereditary breast and ovarian cancer syndrome (HBOC); Breast and ovarian cancer; Hereditary breast and/or ovarian cancer syndrome; BRCA1- and BRCA2-Associated Hereditary Breast and Ovarian Cancer. Identifiers: Orphanet 145, MedGen C0677776, MeSH D061325, MONDO:0003582. Disease mechanism: loss of function.
Breast-ovarian cancer, familial, susceptibility to, 2 (BROVCA2). Also called: BRCA2 Hereditary Breast and Ovarian Cancer. Identifiers: Orphanet 145, MedGen C2675520, MONDO:0012933, OMIM 612555. Disease mechanism: loss of function.
Hereditary cancer-predisposing syndrome. Also called: Neoplastic Syndromes, Hereditary; Tumor predisposition; Hereditary Cancer Syndrome; Hereditary neoplastic syndrome. Identifiers: Orphanet 140162, MedGen C0027672, MeSH D009386, MONDO:0015356.
Familial cancer of breast. Also called: BREAST CANCER, FAMILIAL; Hereditary breast cancer; hereditary breast carcinoma. Identifiers: Orphanet 227535, MedGen C0346153, MONDO:0016419, OMIM 114480. Disease mechanism: loss of function.

Allele frequency attached by ClinVar (database versions not stated): ExAC 0.00001; gnomAD exomes 0.00001.

Submissions (10):

Ambry Genetics
Classification: Uncertain significance for Hereditary cancer-predisposing syndrome. Last evaluated: 2025-06-03. Review status: criteria provided, single submitter. Criteria: Ambry Variant Classification Scheme 2023. Collection method: clinical testing. Allele origin: germline.
Comment: The p.M1029V variant (also known as c.3085A>G), located in coding exon 10 of the BRCA2 gene, results from an A to G substitution at nucleotide position 3085. The methionine at codon 1029 is replaced by valine, an amino acid with highly similar properties. This amino acid position is not well conserved in available vertebrate species. In addition, this alteration is predicted to be tolerated by in silico analysis. Since supporting evidence is limited at this time, the clinical significance of this alteration remains unclear.

Labcorp Genetics (formerly Invitae), Labcorp
Classification: Uncertain significance for Hereditary breast ovarian cancer syndrome. Last evaluated: 2024-03-25. Review status: criteria provided, single submitter. Criteria: Invitae Variant Classification Sherloc (09022015). Collection method: clinical testing. Allele origin: germline.
Comment: This sequence change replaces methionine, which is neutral and non-polar, with valine, which is neutral and non-polar, at codon 1029 of the BRCA2 protein (p.Met1029Val). This variant is present in population databases (rs80358553, gnomAD 0.004%). This missense change has been observed in individual(s) with clinical features of BRCA2-related conditions (PMID: 10923033). ClinVar contains an entry for this variant (Variation ID: 51396). Advanced modeling of protein sequence and biophysical properties (such as structural, functional, and spatial information, amino acid conservation, physicochemical variation, residue mobility, and thermodynamic stability) performed at Invitae indicates that this missense variant is not expected to disrupt BRCA2 protein function with a negative predictive value of 95%. In summary, the available evidence is currently insufficient to determine the role of this variant in disease. Therefore, it has been classified as a Variant of Uncertain Significance.

MGZ Medical Genetics Center
Classification: Likely benign for Familial cancer of breast. Last evaluated: 2024-02-09. Review status: criteria provided, single submitter. Criteria: CSpec BRCA1/2ACMG Rules Specifications V1.1.0. Collection method: clinical testing. Allele origin: germline. Affected: yes.
Comment: ACMG codes applied following ENIGMA VCEP rules: BP1_STR

KCCC/NGS Laboratory, Kuwait Cancer Control Center
Classification: Uncertain significance for Breast-ovarian cancer, familial, susceptibility to, 2. Last evaluated: 2023-12-04. Review status: criteria provided, single submitter. Criteria: ACMG Guidelines, 2015. Collection method: clinical testing. Allele origin: germline. Inheritance: Autosomal dominant inheritance. Affected: yes. Observed: 1 heterozygote.
Comment: This sequence change replaces methionine, which is neutral and non-polar, with valine, which is neutral and non-polar, at codon 1029 of the BRCA2 protein (p.Met1029Val). This variant is present in population databases (rs80358553, gnomAD 0.004%). This missense change has been observed in individual(s) with clinical features of BRCA2-related conditions (PMID: 10923033). ClinVar contains an entry for this variant (Variation ID: 51396).This amino acid position is not well conserved ( PhyloP =0.43). In addition, this alteration is predicted to be tolerated by in silico analysis. In summary, the available evidence is currently insufficient to determine the role of this variant in disease. Therefore, it has been classified as a Variant of Uncertain Significance .

All of Us Research Program, National Institutes of Health
Classification: Uncertain significance for Breast-ovarian cancer, familial, susceptibility to, 2. Last evaluated: 2023-09-04. Review status: criteria provided, single submitter. Criteria: ACMG Guidelines, 2015. Collection method: clinical testing. Allele origin: germline. Inheritance: Autosomal dominant inheritance. Observed: 2 variant alleles, 2 heterozygotes.
Comment: This missense variant replaces methionine with valine at codon 1029 of the BRCA2 protein. Computational prediction suggests that this variant may not impact protein structure and function (internally defined REVEL score threshold <= 0.5, PMID: 27666373). To our knowledge, functional studies have not been reported for this variant. This variant has been reported in 1 individual affected with breast cancer and in 1 unaffected individual (PMID: 31837001, 33471991; Leiden Open Variation Database DB-ID BRCA2_008028). This variant has been identified in 2/250064 chromosomes in the general population by the Genome Aggregation Database (gnomAD). The available evidence is insufficient to determine the role of this variant in disease conclusively. Therefore, this variant is classified as a Variant of Uncertain Significance.

This study involves interpretation of variants in research participants for the purpose of population health screening. Participant phenotype was not available at the time of variant classification. Additional details can be found in publication PMID: 35346344, PMCID: PMC8962531

University of Washington Department of Laboratory Medicine, University of Washington
Classification: Likely benign for Hereditary cancer-predisposing syndrome. Last evaluated: 2023-03-23. Review status: criteria provided, single submitter. Criteria: Dines et al. (Genet Med. 2020). Collection method: curation. Allele origin: germline.
Comment: Missense variant in a coldspot region where missense variants are very unlikely to be pathogenic (PMID:31911673).

BRCA2 exon 11 coldspot. Reclassification based on statistical prior probability.

GeneDx
Classification: Uncertain significance. Last evaluated: 2015-04-04. Review status: criteria provided, single submitter. Criteria: GeneDx Variant Classification (06012015). Collection method: clinical testing. Allele origin: germline. Affected: yes.
Comment: This variant is denoted BRCA2 c.3085A>G at the cDNA level, p.Met1029Val (M1029V) at the protein level, and results in the change of a Methionine to a Valine (ATG>GTG). Using alternate nomenclature, this variant would be defined as BRCA2 3313A>G. This variant has not, to our knowledge, been published in the literature as pathogenic or benign. BRCA2 Met1029Val was not observed in approximately 6,500 individuals of European and African American ancestry in the NHLBI Exome Sequencing Project, indicating it is not a common benign variant in these populations. Since Methionine and Valine share similar properties, this is considered a conservative amino acid substitution. BRCA2 Met1029Val occurs at a position that is not conserved across species and is located in the first BRC repeat region (UniProt). In silico analyses are inconsistent regarding the effect this variant may have on protein structure and function. Based on currently available information, it is unclear whether BRCA2 Met1029Val is a pathogenic variant or benign variant.

BRCAlab, Lund University
Classification: Uncertain significance for Breast-ovarian cancer, familial, susceptibility to, 2. Last evaluated: 2020-03-02. Review status: no assertion criteria provided. Collection method: clinical testing. Allele origin: germline. Affected: yes. Not counted in ClinVar's aggregate classification.

Sharing Clinical Reports Project (SCRP)
Classification: Uncertain significance for Breast-ovarian cancer, familial 2. Last evaluated: 2011-03-18. Review status: no assertion criteria provided. Collection method: clinical testing. Allele origin: germline. Not counted in ClinVar's aggregate classification.

Breast Cancer Information Core (BIC) (BRCA2)
Classification: Uncertain significance for Breast-ovarian cancer, familial 2. Last evaluated: 2001-03-30. Review status: no assertion criteria provided. Collection method: clinical testing. Allele origin: germline. Affected: yes. Observed: 1 variant allele. Not counted in ClinVar's aggregate classification.

Literature cited by the submitters: PubMed 10923033 (cited by Labcorp Genetics (formerly Invitae), Labcorp); PubMed 31837001 (cited by All of Us Research Program, National Institutes of Health); PubMed 33471991 (cited by All of Us Research Program, National Institutes of Health).

NM_000059.4(BRCA2):c.3085A>G (p.Met1029Val)

Gene: BRCA2 (BRCA2 DNA repair associated; plus strand). Cytogenetic location: 13q13.1.
Variant type: single nucleotide variant.
Coding change: c.3085A>G on transcript NM_000059.4 (MANE Select); coding-DNA position 3085, A replaced by G.
Protein change: p.Met1029Val; replaces methionine 1029 with valine.
Molecular consequence: missense variant.
Genome position (GRCh38, 1-based): chr13:32,337,440, A>G. VCF-style: chr13-32337440-A-G. GRCh37 (hg19) VCF-style: chr13-32911577-A-G.
Other names: 3313A>G; short protein forms M1029V.
Identifiers: ClinVar variation 51396 (VCV000051396.18), dbSNP rs80358553, ClinGen allele CA017207.